The following is an entry in ClinVar:

ClinVar aggregate classification (germline): Uncertain significance (1 of 4 stars; one submission).

Conditions:
Inborn genetic diseases. Identifiers: MedGen C0950123, MeSH D030342.

gnomAD v4.1: 1 of 1,612,620 alleles (0.000062%); no homozygotes.

Submission:

Ambry Genetics
Classification: Uncertain significance for Inborn genetic diseases. Last evaluated: 2025-05-09. Review status: criteria provided, single submitter. Criteria: Ambry Variant Classification Scheme 2023. Collection method: clinical testing. Allele origin: germline.
Comment: The c.1358C>G (p.T453R) alteration is located in exon 14 (coding exon 14) of the IFT172 gene. This alteration results from a C to G substitution at nucleotide position 1358, causing the threonine (T) at amino acid position 453 to be replaced by an arginine (R). Based on data from gnomAD, the G allele has an overall frequency of 0.001% (2/251038) total alleles studied. The highest observed frequency was 0.007% (2/30586) of South Asian alleles. This amino acid position is poorly conserved in available vertebrate species. The in silico prediction for this alteration is inconclusive. Based on insufficient or conflicting evidence, the clinical significance of this alteration remains unclear.

NM_015662.3(IFT172):c.1358C>G (p.Thr453Arg)

Gene: IFT172 (intraflagellar transport 172; minus strand). Cytogenetic location: 2p23.3.
Variant type: single nucleotide variant.
Coding change: c.1358C>G on transcript NM_015662.3 (MANE Select); coding-DNA position 1358, C replaced by G.
Protein change: p.Thr453Arg; replaces threonine 453 with arginine.
Molecular consequence: missense variant.
Genome position (GRCh38, 1-based): chr2:27,476,694, G>C on the plus strand (C>G on the coding strand, the complement: IFT172 is on the minus strand). VCF-style: chr2-27476694-G-C. GRCh37 (hg19) VCF-style: chr2-27699561-G-C.
Other names: c.1358C>G, p.Thr453Arg (NM_001410739.1); short protein forms T453R.
Identifiers: ClinVar variation 4037512 (VCV004037512.1).
Genomic context (GRCh38, chr2:27,476,694, plus strand): 5'-TACTCACCTATAGCAATAGTCTTAATATCAATAAGATAAGCCAATTTCTTATTATCTTCT[G>C]TTCCTCGCTGACACCTCTCATTAATACGAACACTGAAACATGAAGGGTGAGGTAAGGCAA-3'
Protein context (NP_056477.1, residues 443-463): VRINERCQRG[Thr453Arg]EDNKKLAYLI